The following is an entry in ClinVar:

ClinVar aggregate classification (germline): Uncertain significance. Review status: criteria provided, multiple submitters, no conflicts (2 of 4 stars). 5 submissions from 5 submitters: Uncertain significance (4). 1 of the submissions does not count toward it. Last evaluated 2025-11-11.

Conditions:
Hereditary cancer-predisposing syndrome. Also called: Tumor predisposition; Hereditary Cancer Syndrome; Hereditary neoplastic syndrome; Neoplastic Syndromes, Hereditary. Identifiers: Orphanet 140162, MedGen C0027672, MeSH D009386, MONDO:0015356.
Fanconi anemia (FA). Also called: Fanconi's anemia. Identifiers: Orphanet 84, MedGen C0015625, MeSH D005199, MONDO:0019391.
Fanconi anemia complementation group C (FANCC). Also called: FANCONI PANCYTOPENIA, TYPE 3; FACC; FANCC-Related Fanconi Anemia; Fanconi anemia, group C. Identifiers: Orphanet 84, MedGen C3468041, MONDO:0009213, OMIM 227645.

Allele frequency attached by ClinVar (database versions not stated): gnomAD exomes below 0.00001; ExAC 0.00001; gnomAD 0.00001; TOPMed 0.00004.
gnomAD v4.1: 2 of 1,613,992 alleles (0.00012%); highest among the groups gnomAD compares: East Asian, 0.0022%; no homozygotes.

Submissions (5):

Ambry Genetics
Classification: Uncertain significance for Hereditary cancer-predisposing syndrome. Last evaluated: 2025-11-11. Review status: criteria provided, single submitter. Criteria: Ambry Variant Classification Scheme 2023. Collection method: clinical testing. Allele origin: germline.
Comment: The p.P360L variant (also known as c.1079C>T), located in coding exon 11 of the FANCC gene, results from a C to T substitution at nucleotide position 1079. The proline at codon 360 is replaced by leucine, an amino acid with similar properties. This amino acid position is well conserved in available vertebrate species. In addition, this alteration is predicted to be tolerated by in silico analysis. Since supporting evidence is limited at this time, the clinical significance of this alteration remains unclear.

Fulgent Genetics
Classification: Uncertain significance for Fanconi anemia complementation group C. Last evaluated: 2024-03-30. Review status: criteria provided, single submitter. Criteria: ACMG Guidelines, 2015. Collection method: clinical testing. Allele origin: germline.

GeneDx
Classification: Uncertain significance. Last evaluated: 2024-02-09. Review status: criteria provided, single submitter. Criteria: GeneDx Variant Classification Process June 2021. Collection method: clinical testing. Allele origin: germline. Affected: yes.
Comment: Not observed at significant frequency in large population cohorts (gnomAD); In silico analysis supports that this missense variant has a deleterious effect on protein structure/function; Has not been previously published as pathogenic or benign to our knowledge; This variant is associated with the following publications: (PMID: Gordon2000[Book])

Labcorp Genetics (formerly Invitae), Labcorp
Classification: Uncertain significance for Fanconi anemia. Last evaluated: 2022-07-13. Review status: criteria provided, single submitter. Criteria: Invitae Variant Classification Sherloc (09022015). Collection method: clinical testing. Allele origin: germline.
Comment: This sequence change replaces proline, which is neutral and non-polar, with leucine, which is neutral and non-polar, at codon 360 of the FANCC protein (p.Pro360Leu). This variant is present in population databases (rs730881721, gnomAD 0.006%). This variant has not been reported in the literature in individuals affected with FANCC-related conditions. ClinVar contains an entry for this variant (Variation ID: 182483). Algorithms developed to predict the effect of missense changes on protein structure and function output the following: SIFT: "Tolerated"; PolyPhen-2: "Benign"; Align-GVGD: "Class C0". The leucine amino acid residue is found in multiple mammalian species, which suggests that this missense change does not adversely affect protein function. In summary, the available evidence is currently insufficient to determine the role of this variant in disease. Therefore, it has been classified as a Variant of Uncertain Significance.

Natera, Inc.
Classification: Uncertain significance for Fanconi anemia, group C. Last evaluated: 2020-09-16. Review status: no assertion criteria provided. Collection method: clinical testing. Allele origin: germline. Not counted in ClinVar's aggregate classification.

NM_000136.3(FANCC):c.1079C>T (p.Pro360Leu)

Genes: AOPEP (aminopeptidase O (putative); plus strand), FANCC (FA complementation group C; minus strand). Cytogenetic location: 9q22.32.
Variant type: single nucleotide variant.
Coding change: c.1079C>T on transcript NM_000136.3 (MANE Select); coding-DNA position 1079, C replaced by T.
Protein change: p.Pro360Leu; replaces proline 360 with leucine.
Molecular consequence: missense variant.
Genome position (GRCh38, 1-based): chr9:95,114,704, G>A on the plus strand (C>T on the coding strand, the complement: FANCC is on the minus strand). VCF-style: chr9-95114704-G-A. GRCh37 (hg19) VCF-style: chr9-97876986-G-A.
Other names: p.P360L:CCT>CTT; c.1079C>T, p.Pro360Leu (NM_001243743.2, NM_001243744.2); short protein forms P360L.
Identifiers: ClinVar variation 182483 (VCV000182483.10), dbSNP rs730881721, ClinGen allele CA299178.